The following is an entry in ClinVar:

ClinVar aggregate classification (germline): Uncertain significance (1 of 4 stars; one submission).

Allele frequency attached by ClinVar (database versions not stated): TOPMed 0.00001; gnomAD 0.00002; gnomAD exomes 0.00002 and 0.00003.
gnomAD v4.1: 44 of 1,612,984 alleles (0.0027%); highest among the groups gnomAD compares: Non-Finnish European, 0.0032%; no homozygotes.

Submissions (2):

Labcorp Genetics (formerly Invitae), Labcorp
Classification: Uncertain significance. Last evaluated: 2024-10-31. Review status: criteria provided, single submitter. Criteria: Invitae Variant Classification Sherloc (09022015). Collection method: clinical testing. Allele origin: germline.
Comment: This sequence change replaces arginine, which is basic and polar, with glutamine, which is neutral and polar, at codon 635 of the UNC45A protein (p.Arg635Gln). This variant is present in population databases (no rsID available, gnomAD 0.003%). This variant has not been reported in the literature in individuals affected with UNC45A-related conditions. ClinVar contains an entry for this variant (Variation ID: 1439153). Invitae Evidence Modeling of protein sequence and biophysical properties (such as structural, functional, and spatial information, amino acid conservation, physicochemical variation, residue mobility, and thermodynamic stability) indicates that this missense variant is expected to disrupt UNC45A protein function with a positive predictive value of 80%. In summary, the available evidence is currently insufficient to determine the role of this variant in disease. Therefore, it has been classified as a Variant of Uncertain Significance.

Dr. Peter K. Rogan Lab, Western University
No classification provided (evidence only). Condition: Melanoma. Review status: no classification provided. Collection method: in vitro. Allele origin: not applicable. Functional consequence: retained intron. Not counted in ClinVar's aggregate classification.

NM_018671.5(UNC45A):c.1904G>A (p.Arg635Gln)

Gene: UNC45A (unc-45 myosin chaperone A; plus strand). Cytogenetic location: 15q26.1.
Variant type: single nucleotide variant.
Coding change: c.1904G>A on transcript NM_018671.5 (MANE Select); coding-DNA position 1904, G replaced by A.
Protein change: p.Arg635Gln; replaces arginine 635 with glutamine.
Molecular consequence: missense variant.
Genome position (GRCh38, 1-based): chr15:90,949,341, G>A. VCF-style: chr15-90949341-G-A. GRCh37 (hg19) VCF-style: chr15-91492571-G-A.
Other names: c.1859G>A, p.Arg620Gln (NM_001039675.2, NM_001323621.2); c.1904G>A, p.Arg635Gln (NM_001323619.1); c.1469G>A, p.Arg490Gln (NM_001323620.2); short protein forms R490Q, R620Q, R635Q.
Identifiers: ClinVar variation 1439153 (VCV001439153.9), dbSNP rs1371369971, ClinGen allele CA393859672.